The following is an entry in ClinVar:

ClinVar aggregate classification (germline): Conflicting classifications of pathogenicity. Review status: criteria provided, conflicting classifications (1 of 4 stars). 3 submissions from 3 submitters: Uncertain significance (2); Likely benign (1). Last evaluated 2024-10-27.

Conditions:
Hereditary cancer-predisposing syndrome. Also called: Tumor predisposition; Hereditary neoplastic syndrome; Neoplastic Syndromes, Hereditary; Hereditary Cancer Syndrome. Identifiers: Orphanet 140162, MedGen C0027672, MeSH D009386, MONDO:0015356.
Hereditary diffuse gastric adenocarcinoma (HDGC). Also called: DIFFUSE GASTRIC AND LOBULAR BREAST CANCER SYNDROME. Identifiers: Orphanet 26106, MedGen C1708349, MONDO:0007648, OMIM 137215.

Submissions (3):

Labcorp Genetics (formerly Invitae), Labcorp
Classification: Uncertain significance for Hereditary diffuse gastric adenocarcinoma. Last evaluated: 2024-10-27. Review status: criteria provided, single submitter. Criteria: Invitae Variant Classification Sherloc (09022015). Collection method: clinical testing. Allele origin: germline.
Comment: This sequence change replaces valine, which is neutral and non-polar, with leucine, which is neutral and non-polar, at codon 501 of the CDH1 protein (p.Val501Leu). This variant is present in population databases (rs368690400, gnomAD 0.003%). This variant has not been reported in the literature in individuals affected with CDH1-related conditions. ClinVar contains an entry for this variant (Variation ID: 935181). An algorithm developed to predict the effect of missense changes on protein structure and function outputs the following: PolyPhen-2: "Benign". The leucine amino acid residue is found in multiple mammalian species, which suggests that this missense change does not adversely affect protein function. In summary, the available evidence is currently insufficient to determine the role of this variant in disease. Therefore, it has been classified as a Variant of Uncertain Significance.

Quest Diagnostics Nichols Institute San Juan Capistrano
Classification: Uncertain significance. Last evaluated: 2024-03-27. Review status: criteria provided, single submitter. Criteria: Quest Diagnostics criteria. Collection method: clinical testing. Allele origin: unknown.
Comment: The CDH1 c.1501G>T (p.Val501Leu) variant has not been reported in individuals with CDH1-related conditions in the published literature. The frequency of this variant in the general population, 0.000004 (1/251476 chromosomes (Genome Aggregation Database)), is uninformative in the assessment of its pathogenicity. Analysis of this variant using bioinformatics tools for the prediction of the effect of amino acid changes on protein structure and function yielded predictions that this variant is benign. Based on the available information, we are unable to determine the clinical significance of this variant.

Ambry Genetics
Classification: Likely benign for Hereditary cancer-predisposing syndrome. Last evaluated: 2023-12-06. Review status: criteria provided, single submitter. Criteria: Ambry Variant Classification Scheme 2023. Collection method: clinical testing. Allele origin: germline.

NM_004360.5(CDH1):c.1501G>T (p.Val501Leu)

Gene: CDH1 (cadherin 1; plus strand). Cytogenetic location: 16q22.1.
Variant type: single nucleotide variant.
Coding change: c.1501G>T on transcript NM_004360.5 (MANE Select); coding-DNA position 1501, G replaced by T.
Protein change: p.Val501Leu; replaces valine 501 with leucine.
Molecular consequence: missense variant. On other transcripts: 5 prime UTR variant (2).
Genome position (GRCh38, 1-based): chr16:68,815,695, G>T. VCF-style: chr16-68815695-G-T. GRCh37 (hg19) VCF-style: chr16-68849598-G-T.
Other names: c.1318G>T, p.Val440Leu (NM_001317184.2); c.-48G>T (NM_001317185.2); c.-319G>T (NM_001317186.2); c.1501G>T (NM_004360.4); short protein forms V440L, V501L.
Identifiers: ClinVar variation 935181 (VCV000935181.12), dbSNP rs368690400, ClinGen allele CA8130084.